The following is an entry in ClinVar:

NM_058216.3(RAD51C):c.338del (p.Gly113fs)

Gene: RAD51C (RAD51 paralog C; plus strand). Cytogenetic location: 17q22.
Variant type: Deletion.
Coding change: c.338del on transcript NM_058216.3 (MANE Select); coding-DNA position 338, one base deleted (G; older notation c.338delG).
Protein change: p.Gly113fs; shifts the reading frame from glycine 113.
Molecular consequence: frameshift variant. On other transcripts: non-coding transcript variant (2).
Genome position (GRCh38, 1-based): chr17:58,695,123, G deleted; the last of 5 consecutive G bases (chr17:58,695,119-58,695,123); deleting any one gives the same sequence. VCF-style (leftmost placement, unchanged base first): chr17-58695118-TG-T. GRCh37 (hg19) VCF-style: chr17-56772479-TG-T.
Other names: c.338del, p.Gly113fs (NM_002876.4); c.338delG, p.Gly113Valfs (NM_058217.1); short protein forms G113fs.
Identifiers: ClinVar variation 1730886 (VCV001730886.7), dbSNP rs2047954401, ClinGen allele CA2580094382.

ClinVar aggregate classification (germline): Pathogenic. Review status: criteria provided, multiple submitters, no conflicts (2 of 4 stars). 2 submissions from 2 submitters: Pathogenic (2). Last evaluated 2022-03-17.

Conditions:
Fanconi anemia complementation group O. Also called: RAD51C-Related Fanconi Anemia. Identifiers: Orphanet 84, MedGen C3150653, MONDO:0013248, OMIM 613390.
Hereditary cancer-predisposing syndrome. Also called: Neoplastic Syndromes, Hereditary; Tumor predisposition; Hereditary Cancer Syndrome; Hereditary neoplastic syndrome. Identifiers: Orphanet 140162, MedGen C0027672, MeSH D009386, MONDO:0015356.

Submissions (2):

Labcorp Genetics (formerly Invitae), Labcorp
Classification: Pathogenic for Fanconi anemia complementation group O. Last evaluated: 2022-03-17. Review status: criteria provided, single submitter. Criteria: Invitae Variant Classification Sherloc (09022015). Collection method: clinical testing. Allele origin: germline.
Comment: This variant is not present in population databases (gnomAD no frequency). This sequence change creates a premature translational stop signal (p.Gly113Valfs*5) in the RAD51C gene. It is expected to result in an absent or disrupted protein product. Loss-of-function variants in RAD51C are known to be pathogenic (PMID: 20400964, 21990120, 24800917). This variant has not been reported in the literature in individuals affected with RAD51C-related conditions. For these reasons, this variant has been classified as Pathogenic.

Ambry Genetics
Classification: Pathogenic for Hereditary cancer-predisposing syndrome. Last evaluated: 2020-11-16. Review status: criteria provided, single submitter. Criteria: Ambry Variant Classification Scheme 2023. Collection method: clinical testing. Allele origin: germline.
Comment: The c.338delG pathogenic mutation, located in coding exon 2 of the RAD51C gene, results from a deletion of one nucleotide at nucleotide position 338, causing a translational frameshift with a predicted alternate stop codon (p.G113Vfs*5). This alteration is expected to result in loss of function by premature protein truncation or nonsense-mediated mRNA decay. As such, this alteration is interpreted as a disease-causing mutation.

Literature cited by the submitters: PubMed 20400964 (cited by Labcorp Genetics (formerly Invitae), Labcorp); PubMed 21990120 (cited by Labcorp Genetics (formerly Invitae), Labcorp); PubMed 24800917 (cited by Labcorp Genetics (formerly Invitae), Labcorp).